The following is an entry in ClinVar:

ClinVar aggregate classification (germline): Uncertain significance (1 of 4 stars; one submission).

Conditions:
Amyotrophic lateral sclerosis type 1 (ALS1). Also called: AMYOTROPHIC LATERAL SCLEROSIS 1, FAMILIAL. Identifiers: Orphanet 803, MedGen C1862939, MONDO:0007103, OMIM 105400.
Neuronopathy, distal hereditary motor, type 7B. Also called: HMN VIIB; LOWER MOTOR NEURON DISEASE, DYNACTIN TYPE; NEURONOPATHY, DISTAL HEREDITARY MOTOR, AUTOSOMAL DOMINANT 14; NEURONOPATHY, DISTAL HEREDITARY MOTOR, HARDING TYPE VIIB; NEUROPATHY, DISTAL HEREDITARY MOTOR, HARDING TYPE VIIB; NEUROPATHY, DISTAL HEREDITARY MOTOR, WITH VOCAL CORD PARALYSIS, HARDING TYPE VIIB. Identifiers: Orphanet 139589, MedGen C1843315, MONDO:0011879, OMIM 607641.
Perry syndrome. Also called: PARKINSONISM WITH ALVEOLAR HYPOVENTILATION AND MENTAL DEPRESSION. Identifiers: Orphanet 178509, MedGen C1868594, MONDO:0008201, OMIM 168605.

Allele frequency attached by ClinVar (database versions not stated): gnomAD exomes below 0.00001.
gnomAD v4.1: 2 of 1,614,260 alleles (0.00012%); highest among the groups gnomAD compares: Non-Finnish European, 0.00017%; no homozygotes.

Submission:

Labcorp Genetics (formerly Invitae), Labcorp
Classification: Uncertain significance for Amyotrophic lateral sclerosis type 1; Neuronopathy, distal hereditary motor, type 7B; Perry syndrome. Last evaluated: 2023-10-04. Review status: criteria provided, single submitter. Criteria: Invitae Variant Classification Sherloc (09022015). Collection method: clinical testing. Allele origin: germline.
Comment: This sequence change replaces phenylalanine, which is neutral and non-polar, with leucine, which is neutral and non-polar, at codon 596 of the DCTN1 protein (p.Phe596Leu). This variant is present in population databases (no rsID available, gnomAD 0.0009%). This variant has not been reported in the literature in individuals affected with DCTN1-related conditions. Advanced modeling of protein sequence and biophysical properties (such as structural, functional, and spatial information, amino acid conservation, physicochemical variation, residue mobility, and thermodynamic stability) performed at Invitae indicates that this missense variant is expected to disrupt DCTN1 protein function. In summary, the available evidence is currently insufficient to determine the role of this variant in disease. Therefore, it has been classified as a Variant of Uncertain Significance.

NM_004082.5(DCTN1):c.1788C>A (p.Phe596Leu)

Gene: DCTN1 (dynactin subunit 1; minus strand). Cytogenetic location: 2p13.1.
Variant type: single nucleotide variant.
Coding change: c.1788C>A on transcript NM_004082.5 (MANE Select); coding-DNA position 1788, C replaced by A.
Protein change: p.Phe596Leu; replaces phenylalanine 596 with leucine.
Molecular consequence: missense variant. On other transcripts: non-coding transcript variant (1).
Genome position (GRCh38, 1-based): chr2:74,368,794, G>T on the plus strand (C>A on the coding strand, the complement: DCTN1 is on the minus strand). VCF-style: chr2-74368794-G-T. GRCh37 (hg19) VCF-style: chr2-74595921-G-T.
Other names: c.1728C>A, p.Phe576Leu (NM_001135040.3); c.1386C>A, p.Phe462Leu (NM_001135041.3, NM_023019.4); c.1677C>A, p.Phe559Leu (NM_001190836.2); c.1767C>A, p.Phe589Leu (NM_001190837.2); c.1737C>A, p.Phe579Leu (NM_001378991.1); c.1719C>A, p.Phe573Leu (NM_001378992.1); short protein forms F576L, F579L, F589L, F462L, F559L, F573L, F596L.
Identifiers: ClinVar variation 2935027 (VCV002935027.3), dbSNP rs1480317263, ClinGen allele CA347355335.